The following is an entry in ClinVar:

ClinVar aggregate classification (germline): Uncertain significance (1 of 4 stars; one submission).

Conditions:
Hereditary cancer-predisposing syndrome. Also called: Neoplastic Syndromes, Hereditary; Tumor predisposition; Hereditary Cancer Syndrome; Hereditary neoplastic syndrome. Identifiers: Orphanet 140162, MedGen C0027672, MeSH D009386, MONDO:0015356.

Submission:

Ambry Genetics
Classification: Uncertain significance for Hereditary cancer-predisposing syndrome. Last evaluated: 2026-06-08. Review status: criteria provided, single submitter. Criteria: Ambry Variant Classification Scheme 2023. Collection method: clinical testing. Allele origin: germline.
Comment: The p.G1346D variant (also known as c.4037G>A), located in coding exon 27 of the ALK gene, results from a G to A substitution at nucleotide position 4037. The glycine at codon 1346 is replaced by aspartic acid, an amino acid with similar properties. This amino acid position is conserved. In addition, the in silico prediction for this alteration is inconclusive. Based on the available evidence, the clinical significance of this variant remains unclear.

NM_004304.5(ALK):c.4037G>A (p.Gly1346Asp)

Gene: ALK (ALK receptor tyrosine kinase; minus strand). Cytogenetic location: 2p23.2.
Variant type: single nucleotide variant.
Coding change: c.4037G>A on transcript NM_004304.5 (MANE Select); coding-DNA position 4037, G replaced by A.
Protein change: p.Gly1346Asp; replaces glycine 1346 with aspartic acid.
Molecular consequence: missense variant.
Genome position (GRCh38, 1-based): chr2:29,197,578, C>T on the plus strand (G>A on the coding strand, the complement: ALK is on the minus strand). VCF-style: chr2-29197578-C-T. GRCh37 (hg19) VCF-style: chr2-29420444-C-T.
Other names: c.833G>A, p.Gly278Asp (NM_001353765.2); short protein forms G1346D, G278D.
Identifiers: ClinVar variation 4870553 (VCV004870553.1).